The following is an entry in ClinVar:

ClinVar aggregate classification (germline): Uncertain significance (1 of 4 stars; one submission).

Conditions:
COL7A1-related epidermolysis bullosa.

Submission:

Breda Genetics srl
Classification: Uncertain significance for COL7A1-related epidermolysis bullosa. Last evaluated: 2020-12-19. Review status: criteria provided, single submitter. Criteria: ACMG Guidelines, 2015. Collection method: clinical testing. Allele origin: germline. Affected: yes. Observed: 1 variant allele, 1 heterozygote.
Comment: The variant c.4678G>A (p.Gly1560Arg) in the COL7A1 gene has not been reported in dbSNP, 1000 Genomes Project, gnomAD or ClinVar. The nucleotide position is conserved across 35 mammalian species (GERP RS: 5.11). In silico analysis indicates that the variant might be damaging. At three amino acid position upstream, a pathogenic mutation, c.4670G>A (p.Gly1557Glu), has been reported in ClinVar for COL7A1-related disorders (Variation ID: 379307). Of note, glycine substitution variants in the triple helical domain (Gly-X-Y; especially in exons 73, 74, and 75) predominate (>75%) in the dominant forms of COL7A1-related epidermolysis bullosa. Glycine substitutions, as well as other amino acid substitutions and splice junction variants outside of this region, may also be found in dominant epidermolysis bullosa; often, however, inheritance pattern cannot be predicted without determination of parental phenotype and corresponding genotype. Based on ACMG variant interpretation guidelines, we classify this variant as uncertain. However, on the basis of the aforementioned evidence, there is a given likelihood that the variant may actually be pathogenic, even if we cannot exclude that it is a rare benign variant.

NM_000094.4(COL7A1):c.4678G>A (p.Gly1560Arg)

Gene: COL7A1 (collagen type VII alpha 1 chain; minus strand). Cytogenetic location: 3p21.31.
Variant type: single nucleotide variant.
Coding change: c.4678G>A on transcript NM_000094.4 (MANE Select); coding-DNA position 4678, G replaced by A.
Protein change: p.Gly1560Arg; replaces glycine 1560 with arginine.
Molecular consequence: missense variant.
Genome position (GRCh38, 1-based): chr3:48,581,750, C>T on the plus strand (G>A on the coding strand, the complement: COL7A1 is on the minus strand). VCF-style: chr3-48581750-C-T. GRCh37 (hg19) VCF-style: chr3-48619183-C-T.
Other names: short protein forms G1560R.
Identifiers: ClinVar variation 998167 (VCV000998167.3), dbSNP rs2044774392, ClinGen allele CA352685984.